The following is an entry in ClinVar:

ClinVar aggregate classification (germline): Uncertain significance (1 of 4 stars; one submission).

Conditions:
Severe combined immunodeficiency due to DNA-PKcs deficiency. Also called: Immunodeficiency 26 with or without neurologic abnormalities; IMMUNODEFICIENCY 26 WITH NEUROLOGIC ABNORMALITIES. Identifiers: Orphanet 317425, MedGen C4014833, MONDO:0014423, OMIM 615966.

Submission:

Labcorp Genetics (formerly Invitae), Labcorp
Classification: Uncertain significance for Severe combined immunodeficiency due to DNA-PKcs deficiency. Last evaluated: 2024-12-02. Review status: criteria provided, single submitter. Criteria: Invitae Variant Classification Sherloc (09022015). Collection method: clinical testing. Allele origin: germline.
Comment: This sequence change replaces aspartic acid, which is acidic and polar, with histidine, which is basic and polar, at codon 405 of the PRKDC protein (p.Asp405His). This variant is not present in population databases (gnomAD no frequency). This variant has not been reported in the literature in individuals affected with PRKDC-related conditions. ClinVar contains an entry for this variant (Variation ID: 1002394). Invitae Evidence Modeling of protein sequence and biophysical properties (such as structural, functional, and spatial information, amino acid conservation, physicochemical variation, residue mobility, and thermodynamic stability) indicates that this missense variant is expected to disrupt PRKDC protein function with a positive predictive value of 80%. In summary, the available evidence is currently insufficient to determine the role of this variant in disease. Therefore, it has been classified as a Variant of Uncertain Significance.

NM_006904.7(PRKDC):c.1213G>C (p.Asp405His)

Gene: PRKDC (protein kinase, DNA-activated, catalytic subunit; minus strand). Cytogenetic location: 8q11.21.
Variant type: single nucleotide variant.
Coding change: c.1213G>C on transcript NM_006904.7 (MANE Select); coding-DNA position 1213, G replaced by C.
Protein change: p.Asp405His; replaces aspartic acid 405 with histidine.
Molecular consequence: missense variant.
Genome position (GRCh38, 1-based): chr8:47,936,418, C>G on the plus strand (G>C on the coding strand, the complement: PRKDC is on the minus strand). VCF-style: chr8-47936418-C-G. GRCh37 (hg19) VCF-style: chr8-48848978-C-G.
Other names: c.1213G>C, p.Asp405His (NM_001081640.2); short protein forms D405H.
Identifiers: ClinVar variation 1002394 (VCV001002394.6), dbSNP rs2090352842, ClinGen allele CA371166181.
Genomic context (GRCh38, chr8:47,936,418, plus strand): 5'-CAAGGTACAGCAAGACGCTTGCAACAGACTGGAGGAAGCTTGGCATCTGATAAACACGGT[C>G]GTCACCAGTGTCTGTCTGGGTGAGGAACATCTGCTTGCAGCGCTGAATGAGCTCAACGTA-3'
Protein context (NP_008835.5, residues 395-415): MFLTQTDTGD[Asp405His]RVYQMPSFLQ